The following is an entry in ClinVar:

ClinVar aggregate classification (germline): Uncertain significance. Review status: criteria provided, multiple submitters, no conflicts (2 of 4 stars). 2 submissions from 2 submitters: Uncertain significance (2). Last evaluated 2026-06-16.

Conditions:
Dilated cardiomyopathy 1GG (CMD1GG). Identifiers: Orphanet 154, MedGen C3150898, MONDO:0013339, OMIM 613642.
Hereditary cancer-predisposing syndrome. Also called: Hereditary neoplastic syndrome; Hereditary Cancer Syndrome; Neoplastic Syndromes, Hereditary; Tumor predisposition. Identifiers: Orphanet 140162, MedGen C0027672, MeSH D009386, MONDO:0015356.

Submissions (2):

Ambry Genetics
Classification: Uncertain significance for Hereditary cancer-predisposing syndrome. Last evaluated: 2026-06-16. Review status: criteria provided, single submitter. Criteria: Ambry Variant Classification Scheme 2023. Collection method: clinical testing. Allele origin: germline.
Comment: The p.L285P variant (also known as c.854T>C), located in coding exon 7 of the SDHA gene, results from a T to C substitution at nucleotide position 854. The leucine at codon 285 is replaced by proline, an amino acid with similar properties. This amino acid position is highly conserved in available vertebrate species. In addition, this alteration is predicted to be deleterious by in silico analysis. Based on the available evidence, the clinical significance of this variant remains unclear.

Baylor Genetics
Classification: Uncertain significance for Dilated cardiomyopathy 1GG. Last evaluated: 2023-09-13. Review status: criteria provided, single submitter. Criteria: ACMG Guidelines, 2015. Collection method: clinical testing. Allele origin: unknown.

NM_004168.4(SDHA):c.854T>C (p.Leu285Pro)

Gene: SDHA (succinate dehydrogenase complex flavoprotein subunit A; plus strand). Cytogenetic location: 5p15.33.
Variant type: single nucleotide variant.
Coding change: c.854T>C on transcript NM_004168.4 (MANE Select); coding-DNA position 854, T replaced by C.
Protein change: p.Leu285Pro; replaces leucine 285 with proline.
Molecular consequence: missense variant.
Genome position (GRCh38, 1-based): chr5:230,959, T>C. VCF-style: chr5-230959-T-C. GRCh37 (hg19) VCF-style: chr5-231074-T-C.
Other names: c.854T>C (NM_004168.2); c.710T>C, p.Leu237Pro (NM_001294332.2); c.854T>C, p.Leu285Pro (NM_001330758.2); short protein forms L237P, L285P.
Identifiers: ClinVar variation 2678614 (VCV002678614.3), dbSNP rs2126568529, ClinGen allele CA359011881.